The following is an entry in ClinVar:

ClinVar aggregate classification (germline): Likely pathogenic (1 of 4 stars; one submission).

Submission:

CeGaT Center for Human Genetics Tuebingen
Classification: Likely pathogenic. Last evaluated: 2023-06-01. Review status: criteria provided, single submitter. Criteria: CeGaT Center For Human Genetics Tuebingen Variant Classification Criteria Version 2. Collection method: clinical testing. Allele origin: germline. Affected: yes. Observed: 3 variant alleles.
Comment: ATP7B: PM1, PM2, PP4:Moderate, PM3:Supporting

NM_000053.4(ATP7B):c.3002T>G (p.Val1001Gly)

Gene: ATP7B (ATPase copper transporting beta; minus strand). Cytogenetic location: 13q14.3.
Variant type: single nucleotide variant.
Coding change: c.3002T>G on transcript NM_000053.4 (MANE Select); coding-DNA position 3002, T replaced by G.
Protein change: p.Val1001Gly; replaces valine 1001 with glycine.
Molecular consequence: missense variant. On other transcripts: intron variant (6).
Genome position (GRCh38, 1-based): chr13:51,946,342, A>C on the plus strand (T>G on the coding strand, the complement: ATP7B is on the minus strand). VCF-style: chr13-51946342-A-C. GRCh37 (hg19) VCF-style: chr13-52520478-A-C.
Other names: c.2381T>G, p.Val794Gly (NM_001005918.3); c.2669T>G, p.Val890Gly (NM_001243182.2); c.2768T>G, p.Val923Gly (NM_001330578.2, NM_001406527.1, NM_001406528.1 and 1 more transcripts); c.2750T>G, p.Val917Gly (NM_001330579.2, NM_001406531.1, NM_001406532.1); c.2858T>G, p.Val953Gly (NM_001406521.1, NM_001406522.1, NM_001406520.1); c.3002T>G, p.Val1001Gly (NM_001406523.1, NM_001406526.1, NM_001406511.1 and 2 more transcripts); c.2825T>G, p.Val942Gly (NM_001406524.1); c.2762T>G, p.Val921Gly (NM_001406530.1); and 18 more; short protein forms V1001G, V571G, V785G, V794G, V807G, V839G, V858G, V885G.
Identifiers: ClinVar variation 2570867 (VCV002570867.27), dbSNP rs1593680974, ClinGen allele CA388032049.